The following is an entry in ClinVar:

ClinVar aggregate classification (germline): Uncertain significance (1 of 4 stars; one submission).

Conditions:
Hereditary cancer-predisposing syndrome. Also called: Neoplastic Syndromes, Hereditary; Tumor predisposition; Hereditary Cancer Syndrome; Hereditary neoplastic syndrome. Identifiers: Orphanet 140162, MedGen C0027672, MeSH D009386, MONDO:0015356.

Submission:

Ambry Genetics
Classification: Uncertain significance for Hereditary cancer-predisposing syndrome. Last evaluated: 2022-04-19. Review status: criteria provided, single submitter. Criteria: Ambry Variant Classification Scheme 2023. Collection method: clinical testing. Allele origin: germline.
Comment: The p.M269T variant (also known as c.806T>C), located in coding exon 5 of the RAD51C gene, results from a T to C substitution at nucleotide position 806. The methionine at codon 269 is replaced by threonine, an amino acid with similar properties. This amino acid position is conserved. In addition, the in silico prediction for this alteration is inconclusive. Since supporting evidence is limited at this time, the clinical significance of this alteration remains unclear.

NM_058216.3(RAD51C):c.806T>C (p.Met269Thr)

Gene: RAD51C (RAD51 paralog C; plus strand). Cytogenetic location: 17q22.
Variant type: single nucleotide variant.
Coding change: c.806T>C on transcript NM_058216.3 (MANE Select); coding-DNA position 806, T replaced by C.
Protein change: p.Met269Thr; replaces methionine 269 with threonine.
Molecular consequence: missense variant. On other transcripts: non-coding transcript variant (1).
Genome position (GRCh38, 1-based): chr17:58,709,959, T>C. VCF-style: chr17-58709959-T-C. GRCh37 (hg19) VCF-style: chr17-56787320-T-C.
Other names: c.*234T>C (NM_058217.1); short protein forms M269T.
Identifiers: ClinVar variation 1761873 (VCV001761873.3), dbSNP rs2143853954, ClinGen allele CA400354183.